The following is an entry in ClinVar:

ClinVar aggregate classification (germline): Uncertain significance (1 of 4 stars; one submission).

Conditions:
Hereditary cancer-predisposing syndrome. Also called: Neoplastic Syndromes, Hereditary; Tumor predisposition; Hereditary neoplastic syndrome; Hereditary Cancer Syndrome. Identifiers: Orphanet 140162, MedGen C0027672, MeSH D009386, MONDO:0015356.

Submission:

Ambry Genetics
Classification: Uncertain significance for Hereditary cancer-predisposing syndrome. Last evaluated: 2024-02-28. Review status: criteria provided, single submitter. Criteria: Ambry Variant Classification Scheme 2023. Collection method: clinical testing. Allele origin: germline.
Comment: The p.Q711H variant (also known as c.2133G>T), located in coding exon 15 of the TSC1 gene, results from a G to T substitution at nucleotide position 2133. The glutamine at codon 711 is replaced by histidine, an amino acid with highly similar properties. This amino acid position is conserved. In addition, this alteration is predicted to be deleterious by in silico analysis. Based on the available evidence, the clinical significance of this alteration remains unclear.

NM_000368.5(TSC1):c.2133G>T (p.Gln711His)

Gene: TSC1 (TSC complex subunit 1; minus strand). Cytogenetic location: 9q34.13.
Variant type: single nucleotide variant.
Coding change: c.2133G>T on transcript NM_000368.5 (MANE Select); coding-DNA position 2133, G replaced by T.
Protein change: p.Gln711His; replaces glutamine 711 with histidine.
Molecular consequence: missense variant. On other transcripts: non-coding transcript variant (4).
Genome position (GRCh38, 1-based): chr9:132,903,726, C>A on the plus strand (G>T on the coding strand, the complement: TSC1 is on the minus strand). VCF-style: chr9-132903726-C-A. GRCh37 (hg19) VCF-style: chr9-135779113-C-A.
Other names: c.2130G>T, p.Gln710His (NM_001162426.2, NM_001406597.1, NM_001406598.1 and 4 more transcripts); c.1980G>T, p.Gln660His (NM_001162427.2, NM_001406610.1); c.1770G>T, p.Gln590His (NM_001362177.2, NM_001406614.1, NM_001406615.1 and 5 more transcripts); c.2133G>T, p.Gln711His (NM_001406592.1, NM_001406593.1, NM_001406594.1 and 5 more transcripts); c.2118G>T, p.Gln706His (NM_001406601.1, NM_001406602.1); c.2115G>T, p.Gln705His (NM_001406603.1, NM_001406604.1); c.1977G>T, p.Gln659His (NM_001406611.1, NM_001406612.1, NM_001406613.1); c.1767G>T, p.Gln589His (NM_001406620.1, NM_001406621.1, NM_001406622.1 and 2 more transcripts); and 3 more; short protein forms Q360H, Q393H, Q394H, Q589H, Q590H, Q659H, Q660H, Q705H.
Identifiers: ClinVar variation 3231290 (VCV003231290.1), dbSNP rs2131765076, ClinGen allele CA375360969.
Genomic context (GRCh38, chr9:132,903,726, plus strand): 5'-TTCCTCCAGAGCTGCTGCTTTGATCACCTTGCGGAGGAGCCGCCTGTTCCGGAGGGCATG[C>A]TGCTGCCTCTTAAAACGCTCATAGAGTAACTGGTTGTGCAGTAAAAGCAACTGGTCTCGG-3'
Protein context (NP_000359.1, residues 701-721): QLLYERFKRQ[Gln711His]HALRNRRLLR